The following is an entry in ClinVar:

ClinVar aggregate classification (germline): Uncertain significance (1 of 4 stars; one submission).

Conditions:
Hajdu-Cheney syndrome (HJCYS). Also called: ACROOSTEOLYSIS WITH OSTEOPOROSIS AND CHANGES IN SKULL AND MANDIBLE; SERPENTINE FIBULA-POLYCYSTIC KIDNEY SYNDROME; Acroosteolysis dominant type. Identifiers: Orphanet 955, MedGen C0917715, MONDO:0007057, OMIM 102500.

gnomAD v4.1: 1 of 1,614,118 alleles (0.000062%); highest among the groups gnomAD compares: Admixed American, 0.0017%; no homozygotes.

Submission:

Labcorp Genetics (formerly Invitae), Labcorp
Classification: Uncertain significance for Hajdu-Cheney syndrome. Last evaluated: 2024-10-17. Review status: criteria provided, single submitter. Criteria: Invitae Variant Classification Sherloc (09022015). Collection method: clinical testing. Allele origin: germline.
Comment: This sequence change replaces valine, which is neutral and non-polar, with methionine, which is neutral and non-polar, at codon 434 of the NOTCH2 protein (p.Val434Met). This variant is present in population databases (no rsID available, gnomAD 0.003%). This variant has not been reported in the literature in individuals affected with NOTCH2-related conditions. An algorithm developed to predict the effect of missense changes on protein structure and function outputs the following: PolyPhen-2: "Benign". The methionine amino acid residue is found in multiple mammalian species, which suggests that this missense change does not adversely affect protein function. In summary, the available evidence is currently insufficient to determine the role of this variant in disease. Therefore, it has been classified as a Variant of Uncertain Significance.

NM_024408.4(NOTCH2):c.1300G>A (p.Val434Met)

Gene: NOTCH2 (notch receptor 2; minus strand). Cytogenetic location: 1p12.
Variant type: single nucleotide variant.
Coding change: c.1300G>A on transcript NM_024408.4 (MANE Select); coding-DNA position 1300, G replaced by A.
Protein change: p.Val434Met; replaces valine 434 with methionine.
Molecular consequence: missense variant.
Genome position (GRCh38, 1-based): chr1:119,967,586, C>T on the plus strand (G>A on the coding strand, the complement: NOTCH2 is on the minus strand). VCF-style: chr1-119967586-C-T. GRCh37 (hg19) VCF-style: chr1-120510209-C-T.
Other names: c.1300G>A, p.Val434Met (NM_001200001.2); short protein forms V434M.
Identifiers: ClinVar variation 3664609 (VCV003664609.2).